The following is an entry in ClinVar:

NM_001282531.3(ADNP):c.312G>A (p.Arg104=)

Gene: ADNP (activity dependent neuroprotector homeobox; minus strand). Cytogenetic location: 20q13.13.
Variant type: single nucleotide variant.
Coding change: c.312G>A on transcript NM_001282531.3 (MANE Select); coding-DNA position 312, G replaced by A.
Protein change: p.Arg104=; no amino-acid change (arginine 104 retained).
Molecular consequence: synonymous variant.
Genome position (GRCh38, 1-based): chr20:50,894,402, C>T on the plus strand (G>A on the coding strand, the complement: ADNP is on the minus strand). VCF-style: chr20-50894402-C-T. GRCh37 (hg19) VCF-style: chr20-49510939-C-T.
Other names: c.312G>A, p.Arg104= (NM_001282532.2, NM_001347511.2, NM_015339.5 and 1 more transcripts); c.312G>A (NM_001282531.2).
Identifiers: ClinVar variation 2087688 (VCV002087688.5), dbSNP rs562055324, ClinGen allele CA9908908.
Genomic context (GRCh38, chr20:50,894,402, plus strand): 5'-GTGTGTTTCCAAAGTCTTTTTGTCTGCATTGAAGGTACAGTAGGGGCAATTAAGGAGAAT[C>T]CTATTTTCAAAGTCTTCACTATGGACATTGCGGAAATGACTTTTGTAGGCAGAGAAGAAT-3'
Protein context (NP_001269460.1, residues 94-114): RNVHSEDFEN[Arg104=]ILLNCPYCTF

ClinVar aggregate classification (germline): Likely benign. Review status: criteria provided, multiple submitters, no conflicts (2 of 4 stars). 2 submissions from 2 submitters: Likely benign (2). Last evaluated 2026-01-14.

Conditions:
ADNP-related disorder. Also called: ADNP-related condition.

Allele frequency attached by ClinVar (database versions not stated): gnomAD 0.00001; gnomAD exomes 0.00001; ExAC 0.00002; 1000 Genomes Project 30x 0.00016; 1000 Genomes Project 0.00020.
gnomAD v4.1: 16 of 1,614,032 alleles (0.00099%); highest among the groups gnomAD compares: South Asian, 0.011%; no homozygotes.

Submissions (2):

PreventionGenetics, part of Exact Sciences
Classification: Likely benign for ADNP-related condition. Last evaluated: 2026-01-14. Review status: criteria provided, single submitter. Criteria: ACMG Guidelines, 2015. Collection method: clinical testing. Allele origin: germline.
Comment: This variant is classified as likely benign based on ACMG/AMP sequence variant interpretation guidelines (Richards et al. 2015 PMID: 25741868, with internal and published modifications).

Labcorp Genetics (formerly Invitae), Labcorp
Classification: Likely benign. Last evaluated: 2025-03-13. Review status: criteria provided, single submitter. Criteria: Invitae Variant Classification Sherloc (09022015). Collection method: clinical testing. Allele origin: germline.